The following is an entry in ClinVar:

ClinVar aggregate classification (germline): Uncertain significance (1 of 4 stars; one submission).

Submission:

Labcorp Genetics (formerly Invitae), Labcorp
Classification: Uncertain significance. Last evaluated: 2023-01-15. Review status: criteria provided, single submitter. Criteria: Invitae Variant Classification Sherloc (09022015). Collection method: clinical testing. Allele origin: germline.
Comment: In summary, the available evidence is currently insufficient to determine the role of this variant in disease. Therefore, it has been classified as a Variant of Uncertain Significance. Advanced modeling of protein sequence and biophysical properties (such as structural, functional, and spatial information, amino acid conservation, physicochemical variation, residue mobility, and thermodynamic stability) performed at Invitae indicates that this missense variant is not expected to disrupt C3 protein function. This variant has not been reported in the literature in individuals affected with C3-related conditions. This variant is not present in population databases (gnomAD no frequency). This sequence change replaces leucine, which is neutral and non-polar, with serine, which is neutral and polar, at codon 894 of the C3 protein (p.Leu894Ser).

NM_000064.4(C3):c.2681T>C (p.Leu894Ser)

Gene: C3 (complement C3; minus strand). Cytogenetic location: 19p13.3.
Variant type: single nucleotide variant.
Coding change: c.2681T>C on transcript NM_000064.4 (MANE Select); coding-DNA position 2681, T replaced by C.
Protein change: p.Leu894Ser; replaces leucine 894 with serine.
Molecular consequence: missense variant.
Genome position (GRCh38, 1-based): chr19:6,697,459, A>G on the plus strand (T>C on the coding strand, the complement: C3 is on the minus strand). VCF-style: chr19-6697459-A-G. GRCh37 (hg19) VCF-style: chr19-6697470-A-G.
Other names: short protein forms L894S.
Identifiers: ClinVar variation 2827082 (VCV002827082.3), dbSNP rs2512247699, ClinGen allele CA403633007.